The following is an entry in ClinVar:

ClinVar aggregate classification (germline): Uncertain significance (1 of 4 stars; one submission).

Conditions:
Autosomal dominant limb-girdle muscular dystrophy type 1F (LGMDD2). Also called: MUSCULAR DYSTROPHY, LIMB-GIRDLE, AUTOSOMAL DOMINANT 2; Limb-girdle muscular dystrophy, type 1F. Identifiers: Orphanet 55595, MedGen C1842062, MONDO:0012034, OMIM 608423.

Submission:

Labcorp Genetics (formerly Invitae), Labcorp
Classification: Uncertain significance for Autosomal dominant limb-girdle muscular dystrophy type 1F. Last evaluated: 2024-03-26. Review status: criteria provided, single submitter. Criteria: Invitae Variant Classification Sherloc (09022015). Collection method: clinical testing. Allele origin: germline.
Comment: This sequence change replaces valine, which is neutral and non-polar, with phenylalanine, which is neutral and non-polar, at codon 466 of the TNPO3 protein (p.Val466Phe). This variant is not present in population databases (gnomAD no frequency). This variant has not been reported in the literature in individuals affected with TNPO3-related conditions. Advanced modeling of protein sequence and biophysical properties (such as structural, functional, and spatial information, amino acid conservation, physicochemical variation, residue mobility, and thermodynamic stability) performed at Invitae indicates that this missense variant is not expected to disrupt TNPO3 protein function with a negative predictive value of 80%. In summary, the available evidence is currently insufficient to determine the role of this variant in disease. Therefore, it has been classified as a Variant of Uncertain Significance.

NM_012470.4(TNPO3):c.1396G>T (p.Val466Phe)

Gene: TNPO3 (transportin 3; minus strand). Cytogenetic location: 7q32.1.
Variant type: single nucleotide variant.
Coding change: c.1396G>T on transcript NM_012470.4 (MANE Select); coding-DNA position 1396, G replaced by T.
Protein change: p.Val466Phe; replaces valine 466 with phenylalanine.
Molecular consequence: missense variant. On other transcripts: non-coding transcript variant (18).
Genome position (GRCh38, 1-based): chr7:128,990,063, C>A on the plus strand (G>T on the coding strand, the complement: TNPO3 is on the minus strand). VCF-style: chr7-128990063-C-A. GRCh37 (hg19) VCF-style: chr7-128630117-C-A.
Other names: c.1396G>T, p.Val466Phe (NM_001191028.3, NM_001382218.1, NM_001382220.1 and 1 more transcripts); c.1498G>T, p.Val500Phe (NM_001382216.1); c.1477G>T, p.Val493Phe (NM_001382217.1); c.1288G>T, p.Val430Phe (NM_001382219.1); c.1252G>T, p.Val418Phe (NM_001382221.1); c.1249G>T, p.Val417Phe (NM_001382222.1); short protein forms V466F, V493F, V500F, V430F, V418F, V417F.
Identifiers: ClinVar variation 3672378 (VCV003672378.2).
Genomic context (GRCh38, chr7:128,990,063, plus strand): 5'-CAACCAATTCAATGCTGGTGTATCGCACAGCCGTATGTACGGTCTCCGGGAGGCGGACAA[C>A]TCCTTCTAGGACTTCCACAAGTGTTGGATTGTTTTCCCTGAGTACAGGCGGTAAGTACTC-3'
Protein context (NP_036602.1, residues 456-476): NPTLVEVLEG[Val466Phe]VRLPETVHTA